The following is an entry in ClinVar:

NM_152564.5(VPS13B):c.5741G>A (p.Arg1914Gln)

Gene: VPS13B (vacuolar protein sorting 13 homolog B; plus strand). Cytogenetic location: 8q22.2.
Variant type: single nucleotide variant.
Coding change: c.5741G>A on transcript NM_152564.5 (MANE Select); coding-DNA position 5741, G replaced by A.
Protein change: p.Arg1914Gln; replaces arginine 1914 with glutamine.
Molecular consequence: missense variant.
Genome position (GRCh38, 1-based): chr8:99,642,331, G>A. VCF-style: chr8-99642331-G-A. GRCh37 (hg19) VCF-style: chr8-100654559-G-A.
Other names: c.5816G>A, p.Arg1939Gln (NM_017890.5); c.5741G>A (NM_152564.4); short protein forms R1914Q, R1939Q.
Identifiers: ClinVar variation 196917 (VCV000196917.47), dbSNP rs150272676, ClinGen allele CA244719.

ClinVar aggregate classification (germline): Conflicting classifications of pathogenicity. Review status: criteria provided, conflicting classifications (1 of 4 stars). 9 submissions from 9 submitters: Uncertain significance (4); Likely benign (4). 1 of the submissions does not count toward it. Last evaluated 2026-01-24.

Conditions:
VPS13B-related disorder. Also called: VPS13B-related condition.
Inborn genetic diseases. Identifiers: MedGen C0950123, MeSH D030342.
Cohen syndrome (COH1). Also called: Cutis verticis gyrata, retinitis pigmentosa, and sensorineural deafness; PEPPER SYNDROME. Identifiers: Orphanet 193, MedGen C0265223, MONDO:0008999, OMIM 216550.

Allele frequency attached by ClinVar (database versions not stated): gnomAD below 0.00001 and 0.00011; TOPMed 0.00002; ESP Exome Variant Server 0.00008; gnomAD exomes 0.00023 and 0.00056; ExAC 0.00069; 1000 Genomes Project 30x 0.00109; 1000 Genomes Project 0.00140.
gnomAD v4.1: 374 of 1,614,064 alleles (0.023%); highest among the groups gnomAD compares: South Asian, 0.35%; 3 homozygotes.

Submissions (9):

Labcorp Genetics (formerly Invitae), Labcorp
Classification: Likely benign for Cohen syndrome. Last evaluated: 2026-01-24. Review status: criteria provided, single submitter. Criteria: Invitae Variant Classification Sherloc (09022015). Collection method: clinical testing. Allele origin: germline.

Blueprint Genetics
Classification: Likely benign. Last evaluated: 2024-11-06. Review status: criteria provided, single submitter. Criteria: ACMG Guidelines, 2015. Collection method: clinical testing. Allele origin: germline.

CeGaT Center for Human Genetics Tuebingen
Classification: Likely benign. Last evaluated: 2024-05-01. Review status: criteria provided, single submitter. Criteria: CeGaT Center For Human Genetics Tuebingen Variant Classification Criteria Version 2. Collection method: clinical testing. Allele origin: germline. Affected: yes. Observed: 1 variant allele.
Comment: VPS13B: BS2

Department of Pathology and Laboratory Medicine, Sinai Health System
Classification: Uncertain significance for Cohen syndrome. Last evaluated: 2022-06-15. Review status: criteria provided, single submitter. Criteria: ACMG Guidelines, 2015. Collection method: research. Allele origin: germline.

Illumina Laboratory Services, Illumina
Classification: Likely benign for Cohen syndrome. Last evaluated: 2018-01-13. Review status: criteria provided, single submitter. Criteria: ICSL Variant Classification Criteria 13 December 2019. Collection method: clinical testing. Allele origin: germline.
Comment: This variant was observed in the ICSL laboratory as part of a predisposition screen in an ostensibly healthy population. It had not been previously curated by ICSL or reported in the Human Gene Mutation Database (HGMD: prior to June 1st, 2018), and was therefore a candidate for classification through an automated scoring system. Utilizing variant allele frequency, disease prevalence and penetrance estimates, and inheritance mode, an automated score was calculated to assess if this variant is too frequent to cause the disease. Based on the score and internal cut-off values, a variant classified as likely benign is not then subjected to further curation. The score for this variant resulted in a classification of likely benign for this disease.

Ambry Genetics
Classification: Uncertain significance for Inborn genetic diseases. Last evaluated: 2017-05-31. Review status: criteria provided, single submitter. Criteria: Ambry Variant Classification Scheme 2023. Collection method: clinical testing. Allele origin: germline.
Comment: The p.R1939Q variant (also known as c.5816G>A), located in coding exon 33 of the VPS13B gene, results from a G to A substitution at nucleotide position 5816. The arginine at codon 1939 is replaced by glutamine, an amino acid with highly similar properties. This amino acid position is highly conserved in available vertebrate species. In addition, the in silico prediction for this alteration is inconclusive. Since supporting evidence is limited at this time, the clinical significance of this alteration remains unclear.

Eurofins Ntd Llc (ga)
Classification: Uncertain significance. Last evaluated: 2014-06-23. Review status: criteria provided, single submitter. Criteria: EGL Classification Definitions 2015. Collection method: clinical testing. Allele origin: germline. Observed: 1 variant allele, 1 heterozygote.

Molecular Endocrinology Laboratory, Christian Medical College
Classification: Uncertain significance for Cohen syndrome. Review status: criteria provided, single submitter. Criteria: ACMG Guidelines, 2015. Collection method: clinical testing. Allele origin: germline. Affected: yes.

PreventionGenetics, part of Exact Sciences
Classification: Likely benign for VPS13B-related condition. Last evaluated: 2019-12-31. Review status: no assertion criteria provided. Collection method: clinical testing. Allele origin: germline. Not counted in ClinVar's aggregate classification.
Comment: This variant is classified as likely benign based on ACMG/AMP sequence variant interpretation guidelines (Richards et al. 2015 PMID: 25741868, with internal and published modifications).